The following is an entry in ClinVar:

NM_000096.4(CP):c.2027A>G (p.Asn676Ser)

Gene: CP (ceruloplasmin; minus strand). Cytogenetic location: 3q24.
Variant type: single nucleotide variant.
Coding change: c.2027A>G on transcript NM_000096.4 (MANE Select); coding-DNA position 2027, A replaced by G.
Protein change: p.Asn676Ser; replaces asparagine 676 with serine.
Molecular consequence: missense variant.
Genome position (GRCh38, 1-based): chr3:149,186,570, T>C on the plus strand (A>G on the coding strand, the complement: CP is on the minus strand). VCF-style: chr3-149186570-T-C. GRCh37 (hg19) VCF-style: chr3-148904357-T-C.
Other names: short protein forms N676S.
Identifiers: ClinVar variation 1450915 (VCV001450915.6), dbSNP rs2108239351, ClinGen allele CA354932371.

ClinVar aggregate classification (germline): Uncertain significance (1 of 4 stars; one submission).

Conditions:
Deficiency of ferroxidase (ACEP). Also called: Ceruloplasmin deficiency; Familial apoceruloplasmin deficiency; Hereditary ceruloplasmin deficiency; NEURODEGENERATION WITH BRAIN IRON ACCUMULATION 10; Deficiency of ceruloplasmin; Aceruloplasminemia. Identifiers: Orphanet 48818, MedGen C0878682, MONDO:0011426, OMIM 604290, HP:0025498.

Submission:

Labcorp Genetics (formerly Invitae), Labcorp
Classification: Uncertain significance for Deficiency of ferroxidase. Last evaluated: 2022-11-22. Review status: criteria provided, single submitter. Criteria: Invitae Variant Classification Sherloc (09022015). Collection method: clinical testing. Allele origin: germline.
Comment: In summary, the available evidence is currently insufficient to determine the role of this variant in disease. Therefore, it has been classified as a Variant of Uncertain Significance. Advanced modeling of protein sequence and biophysical properties (such as structural, functional, and spatial information, amino acid conservation, physicochemical variation, residue mobility, and thermodynamic stability) performed at Invitae indicates that this missense variant is not expected to disrupt CP protein function. ClinVar contains an entry for this variant (Variation ID: 1450915). This variant has not been reported in the literature in individuals affected with CP-related conditions. This variant is not present in population databases (gnomAD no frequency). This sequence change replaces asparagine, which is neutral and polar, with serine, which is neutral and polar, at codon 676 of the CP protein (p.Asn676Ser).